The following is an entry in ClinVar:

NM_177438.3(DICER1):c.2223_2230del (p.Ser742fs)

Gene: DICER1 (dicer 1, ribonuclease III; minus strand). Cytogenetic location: 14q32.13.
Variant type: Deletion.
Coding change: c.2223_2230del on transcript NM_177438.3 (MANE Select); coding-DNA positions 2223 to 2230, 8 bases deleted (TTCCACGA; older notation c.2223_2230delTTCCACGA).
Protein change: p.Ser742fs; shifts the reading frame from serine 742.
Molecular consequence: frameshift variant.
Genome position (GRCh38, 1-based): chr14:95,111,343-95,111,350, TCGTGGAA deleted on the plus strand (TTCCACGA on the coding strand, the reverse complement: DICER1 is on the minus strand). VCF-style (leftmost placement, unchanged base first): chr14-95111342-TTCGTGGAA-T. GRCh37 (hg19) VCF-style: chr14-95577679-TTCGTGGAA-T.
Other names: c.2223_2230del, p.Ser742fs (NM_001195573.1, NM_001271282.3, NM_001291628.2 and 1 more transcripts); short protein forms S742fs.
Identifiers: ClinVar variation 932976 (VCV000932976.3), dbSNP rs1891939787, ClinGen allele CA1139663665.

ClinVar aggregate classification (germline): Pathogenic (1 of 4 stars; one submission).

Conditions:
DICER1-related tumor predisposition. Also called: DICER1-related pleuropulmonary blastoma cancer predisposition syndrome; DICER1 syndrome. Identifiers: Orphanet 284343, MedGen C3839822, MONDO:0100216.

Submission:

Foulkes Cancer Genetics LDI, Lady Davis Institute for Medical Research
Classification: Pathogenic for Pleuropulmonary blastoma. Last evaluated: 2019-07-01. Review status: criteria provided, single submitter. Criteria: ACMG Guidelines, 2015. Collection method: curation. Allele origin: germline. Affected: yes. Observed: 1 variant allele.
Comment: ACMG criteria met: PVS1, PM2, PM7